The following is an entry in ClinVar:

ClinVar aggregate classification (germline): Benign (1 of 4 stars; one submission).

Allele frequency attached by ClinVar (database versions not stated): 1000 Genomes Project 0.02855; gnomAD 0.02948 and 0.03130; 1000 Genomes Project 30x 0.02951; TOPMed 0.03347.
gnomAD v4.1: 4,465 of 152,178 alleles (2.9%); highest among the groups gnomAD compares: African/African-American, 9%; 185 homozygotes.

Submission:

GeneDx
Classification: Benign. Last evaluated: 2018-06-14. Review status: criteria provided, single submitter. Criteria: GeneDx Variant Classification (06012015). Collection method: clinical testing. Allele origin: germline. Affected: yes.
Comment: This variant is considered likely benign or benign based on one or more of the following criteria: it is a conservative change, it occurs at a poorly conserved position in the protein, it is predicted to be benign by multiple in silico algorithms, and/or has population frequency not consistent with disease.

NM_015443.4(KANSL1):c.-89-240G>A

Gene: KANSL1 (KAT8 regulatory NSL complex subunit 1). Cytogenetic location: 17q21.31.
Variant type: single nucleotide variant.
Coding change: c.-89-240G>A on transcript NM_015443.4 (MANE Select); 240 bases into the intron before 89 bases upstream of the start codon, G replaced by A.
Molecular consequence: intron variant.
Genome position (GRCh38, 1-based): chr17:46,172,472, C>T on the plus strand (G>A on the coding strand, the complement: KANSL1 is on the minus strand). VCF-style: chr17-46172472-C-T. GRCh37 (hg19) VCF-style: chr17-44249838-C-T.
Other names: c.-89-240G>A (NM_001193465.2, NM_001379198.1, NM_001193466.2).
Identifiers: ClinVar variation 677312 (VCV000677312.1), dbSNP rs9911018, ClinGen allele CA291115572.
Genomic context (GRCh38, chr17:46,172,472, plus strand): 5'-GGAGGCAAAATCCCTGCACAAGGGAAGGAAGAATTGCACCCTTCTTGTCATTTGTTACCA[C>T]AGATTGAAAGGTGCCAAAACACAAGTTCGATTCAGAGAAAATCACAGATTGTTAAAATTA-3'